The following is an entry in ClinVar:

NM_004218.4(RAB11B):c.583G>A (p.Val195Met)

Gene: RAB11B (RAB11B, member RAS oncogene family; plus strand). Cytogenetic location: 19p13.2.
Variant type: single nucleotide variant.
Coding change: c.583G>A on transcript NM_004218.4 (MANE Select); coding-DNA position 583, G replaced by A.
Protein change: p.Val195Met; replaces valine 195 with methionine.
Molecular consequence: missense variant.
Genome position (GRCh38, 1-based): chr19:8,403,484, G>A. VCF-style: chr19-8403484-G-A. GRCh37 (hg19) VCF-style: chr19-8468368-G-A.
Other names: short protein forms V195M.
Identifiers: ClinVar variation 1028706 (VCV001028706.3), dbSNP rs1971454639, ClinGen allele CA403716778.

ClinVar aggregate classification (germline): Uncertain significance. Review status: criteria provided, multiple submitters, no conflicts (2 of 4 stars). 2 submissions from 2 submitters: Uncertain significance (2). Last evaluated 2024-09-08.

Conditions:
Neurodevelopmental disorder with ataxic gait, absent speech, and decreased cortical white matter. Identifiers: MedGen C4540498, MONDO:0060624, OMIM 617807.

Allele frequency attached by ClinVar (database versions not stated): gnomAD exomes 0.00001.
gnomAD v4.1: 3 of 1,613,870 alleles (0.00019%); highest among the groups gnomAD compares: South Asian, 0.0011%; no homozygotes.

Submissions (2):

Labcorp Genetics (formerly Invitae), Labcorp
Classification: Uncertain significance. Last evaluated: 2024-09-08. Review status: criteria provided, single submitter. Criteria: Invitae Variant Classification Sherloc (09022015). Collection method: clinical testing. Allele origin: germline.
Comment: This sequence change replaces valine, which is neutral and non-polar, with methionine, which is neutral and non-polar, at codon 195 of the RAB11B protein (p.Val195Met). This variant is not present in population databases (gnomAD no frequency). This variant has not been reported in the literature in individuals affected with RAB11B-related conditions. ClinVar contains an entry for this variant (Variation ID: 1028706). An algorithm developed to predict the effect of missense changes on protein structure and function (PolyPhen-2) suggests that this variant is likely to be tolerated. In summary, the available evidence is currently insufficient to determine the role of this variant in disease. Therefore, it has been classified as a Variant of Uncertain Significance.

Baylor Genetics
Classification: Uncertain significance for Neurodevelopmental disorder with ataxic gait, absent speech, and decreased cortical white matter. Last evaluated: 2020-05-05. Review status: criteria provided, single submitter. Criteria: ACMG Guidelines, 2015. Collection method: clinical testing. Allele origin: unknown. Affected: yes.
Comment: This variant was determined to be of uncertain significance according to ACMG Guidelines, 2015 [PMID:25741868].